The following is an entry in ClinVar:

ClinVar aggregate classification (germline): Uncertain significance (1 of 4 stars; one submission).

Conditions:
Autosomal dominant nocturnal frontal lobe epilepsy 5. Also called: Epilepsy, nocturnal frontal lobe, 5; CILIARY DYSKINESIA, PRIMARY, 28, WITHOUT SITUS INVERSUS; CILIARY DYSKINESIA, PRIMARY, 28, WITH SITUS INVERSUS; KCNT1-Related Epilepsy. Identifiers: Orphanet 98784, MedGen C3554306, MONDO:0014002, OMIM 615005.
Developmental and epileptic encephalopathy, 14 (DEE14). Also called: Early infantile epileptic encephalopathy 14. Identifiers: Orphanet 293181, MedGen C3554195, MONDO:0013989, OMIM 614959.

Allele frequency attached by ClinVar (database versions not stated): gnomAD exomes below 0.00001.
gnomAD v4.1: 2 of 1,608,570 alleles (0.00012%); highest among the groups gnomAD compares: Non-Finnish European, 0.000085%; no homozygotes.

Submission:

Labcorp Genetics (formerly Invitae), Labcorp
Classification: Uncertain significance for Autosomal dominant nocturnal frontal lobe epilepsy 5; Developmental and epileptic encephalopathy, 14. Last evaluated: 2024-04-23. Review status: criteria provided, single submitter. Criteria: Invitae Variant Classification Sherloc (09022015). Collection method: clinical testing. Allele origin: germline.
Comment: This sequence change falls in intron 15 of the KCNT1 gene. It does not directly change the encoded amino acid sequence of the KCNT1 protein. It affects a nucleotide within the consensus splice site. This variant is not present in population databases (gnomAD no frequency). This variant has not been reported in the literature in individuals affected with KCNT1-related conditions. ClinVar contains an entry for this variant (Variation ID: 858514). Variants that disrupt the consensus splice site are a relatively common cause of aberrant splicing (PMID: 17576681, 9536098). Algorithms developed to predict the effect of sequence changes on RNA splicing suggest that this variant is not likely to affect RNA splicing. In summary, the available evidence is currently insufficient to determine the role of this variant in disease. Therefore, it has been classified as a Variant of Uncertain Significance.

Literature cited by the submitters: PubMed 17576681; PubMed 9536098.

NM_020822.3(KCNT1):c.1510+3G>A

Gene: KCNT1 (potassium sodium-activated channel subfamily T member 1; plus strand). Cytogenetic location: 9q34.3.
Variant type: single nucleotide variant.
Coding change: c.1510+3G>A on transcript NM_020822.3 (MANE Select); 3 bases into the intron after coding-DNA position 1510, G replaced by A.
Molecular consequence: intron variant.
Genome position (GRCh38, 1-based): chr9:135,768,940, G>A. VCF-style: chr9-135768940-G-A. GRCh37 (hg19) VCF-style: chr9-138660786-G-A.
Other names: c.1375+3G>A (NM_001272003.2).
Identifiers: ClinVar variation 858514 (VCV000858514.8), dbSNP rs1832520059, ClinGen allele CA916083088.